The following is an entry in ClinVar:

ClinVar aggregate classification (germline): Uncertain significance (1 of 4 stars; one submission).

Conditions:
Wiskott-Aldrich syndrome 2 (WAS2). Also called: WIPF1 DEFICIENCY. Identifiers: Orphanet 906, MedGen C3281001, MONDO:0013779, OMIM 614493.

Submission:

Labcorp Genetics (formerly Invitae), Labcorp
Classification: Uncertain significance for Wiskott-Aldrich syndrome 2. Last evaluated: 2019-11-16. Review status: criteria provided, single submitter. Criteria: Invitae Variant Classification Sherloc (09022015). Collection method: clinical testing. Allele origin: germline.
Comment: In summary, the available evidence is currently insufficient to determine the role of this variant in disease. Therefore, it has been classified as a Variant of Uncertain Significance. Algorithms developed to predict the effect of missense changes on protein structure and function are either unavailable or do not agree on the potential impact of this missense change (SIFT: "Deleterious"; PolyPhen-2: "Probably Damaging"; Align-GVGD: "Class C0"). This variant has not been reported in the literature in individuals with WIPF1-related conditions. This variant is not present in population databases (ExAC no frequency). This sequence change replaces arginine with glycine at codon 481 of the WIPF1 protein (p.Arg481Gly). The arginine residue is highly conserved and there is a moderate physicochemical difference between arginine and glycine.

NM_001375834.1(WIPF1):c.1441A>G (p.Arg481Gly)

Gene: WIPF1 (WAS/WASL interacting protein family member 1; minus strand). Cytogenetic location: 2q31.1.
Variant type: single nucleotide variant.
Coding change: c.1441A>G on transcript NM_001375834.1 (MANE Select); coding-DNA position 1441, A replaced by G.
Protein change: p.Arg481Gly; replaces arginine 481 with glycine.
Molecular consequence: missense variant.
Genome position (GRCh38, 1-based): chr2:174,567,085, T>C on the plus strand (A>G on the coding strand, the complement: WIPF1 is on the minus strand). VCF-style: chr2-174567085-T-C. GRCh37 (hg19) VCF-style: chr2-175431813-T-C.
Other names: c.1441A>G, p.Arg481Gly (NM_001077269.1, NM_001375832.1, NM_001375833.1 and 2 more transcripts); c.1063A>G, p.Arg355Gly (NM_001375839.1); short protein forms R481G, R355G.
Identifiers: ClinVar variation 961705 (VCV000961705.8), dbSNP rs1684685114, ClinGen allele CA349335656.